The following is an entry in ClinVar:

NM_004963.4(GUCY2C):c.366C>A (p.Pro122=)

Genes: GUCY2C (guanylate cyclase 2C; minus strand), GUCY2C-AS1 (GUCY2C antisense RNA 1; plus strand). Cytogenetic location: 12p12.3.
Variant type: single nucleotide variant.
Coding change: c.366C>A on transcript NM_004963.4 (MANE Select); coding-DNA position 366, C replaced by A.
Protein change: p.Pro122=; no amino-acid change (proline 122 retained).
Molecular consequence: synonymous variant.
Genome position (GRCh38, 1-based): chr12:14,686,190, G>T on the plus strand (C>A on the coding strand, the complement: GUCY2C is on the minus strand). VCF-style: chr12-14686190-G-T. GRCh37 (hg19) VCF-style: chr12-14839124-G-T.
Other names: c.366C>A (NM_004963.3).
Identifiers: ClinVar variation 1602731 (VCV001602731.10), dbSNP rs140994811, ClinGen allele CA6463766.

ClinVar aggregate classification (germline): Likely benign. Review status: criteria provided, single submitter (1 of 4 stars). 2 submissions from 2 submitters: Likely benign (1). 1 of the submissions does not count toward it. Last evaluated 2025-04-13.

Conditions:
GUCY2C-related disorder. Also called: GUCY2C-related condition.

Allele frequency attached by ClinVar (database versions not stated): TOPMed 0.00001; gnomAD 0.00002 and 0.00003; gnomAD exomes 0.00002; ExAC 0.00006; ESP Exome Variant Server 0.00008.
gnomAD v4.1: 28 of 1,607,720 alleles (0.0017%); highest among the groups gnomAD compares: Middle Eastern, 0.033%; no homozygotes.

Submissions (2):

Labcorp Genetics (formerly Invitae), Labcorp
Classification: Likely benign. Last evaluated: 2025-04-13. Review status: criteria provided, single submitter. Criteria: Invitae Variant Classification Sherloc (09022015). Collection method: clinical testing. Allele origin: germline.

PreventionGenetics, part of Exact Sciences
Classification: Likely benign for GUCY2C-related condition. Last evaluated: 2019-03-04. Review status: no assertion criteria provided. Collection method: clinical testing. Allele origin: germline. Not counted in ClinVar's aggregate classification.
Comment: This variant is classified as likely benign based on ACMG/AMP sequence variant interpretation guidelines (Richards et al. 2015 PMID: 25741868, with internal and published modifications).